The following is an entry in ClinVar:

ClinVar aggregate classification (germline): Uncertain significance (1 of 4 stars; one submission).

Allele frequency attached by ClinVar (database versions not stated): gnomAD 0.00001.
gnomAD v4.1: 1 of 1,613,794 alleles (0.000062%); highest among the groups gnomAD compares: African/African-American, 0.0013%; no homozygotes.

Submission:

Labcorp Genetics (formerly Invitae), Labcorp
Classification: Uncertain significance. Last evaluated: 2022-07-12. Review status: criteria provided, single submitter. Criteria: Invitae Variant Classification Sherloc (09022015). Collection method: clinical testing. Allele origin: germline.
Comment: This sequence change replaces tryptophan, which is neutral and slightly polar, with arginine, which is basic and polar, at codon 1764 of the CDH23 protein (p.Trp1764Arg). This variant is not present in population databases (gnomAD no frequency). This variant has not been reported in the literature in individuals affected with CDH23-related conditions. ClinVar contains an entry for this variant (Variation ID: 938142). Algorithms developed to predict the effect of missense changes on protein structure and function are either unavailable or do not agree on the potential impact of this missense change (SIFT: "Deleterious"; PolyPhen-2: "Not Available"; Align-GVGD: "Class C65"). In summary, the available evidence is currently insufficient to determine the role of this variant in disease. Therefore, it has been classified as a Variant of Uncertain Significance.

NM_022124.6(CDH23):c.5290T>C (p.Trp1764Arg)

Gene: CDH23 (cadherin related 23; plus strand). Cytogenetic location: 10q22.1.
Variant type: single nucleotide variant.
Coding change: c.5290T>C on transcript NM_022124.6 (MANE Select); coding-DNA position 5290, T replaced by C.
Protein change: p.Trp1764Arg; replaces tryptophan 1764 with arginine.
Molecular consequence: missense variant.
Genome position (GRCh38, 1-based): chr10:71,779,369, T>C. VCF-style: chr10-71779369-T-C. GRCh37 (hg19) VCF-style: chr10-73539126-T-C.
Other names: short protein forms W1764R.
Identifiers: ClinVar variation 938142 (VCV000938142.5), dbSNP rs1840895361, ClinGen allele CA377142892.